The following is an entry in ClinVar:

NM_144997.7(FLCN):c.381dup (p.Ser128fs)

Gene: FLCN (folliculin; minus strand). Cytogenetic location: 17p11.2.
Variant type: Duplication.
Coding change: c.381dup on transcript NM_144997.7 (MANE Select); coding-DNA position 381, one base duplicated (G; older notation c.381dupG).
Protein change: p.Ser128fs; shifts the reading frame from serine 128.
Molecular consequence: frameshift variant.
Genome position (GRCh38, 1-based): chr17:17,226,191, C duplicated on the plus strand (G on the coding strand, the reverse complement: FLCN is on the minus strand); the first of 2 consecutive C bases (chr17:17,226,191-17,226,192); duplicating either gives the same sequence. VCF-style (leftmost placement, unchanged base first): chr17-17226190-T-TC. GRCh37 (hg19) VCF-style: chr17-17129504-T-TC.
Other names: c.381dup, p.Ser128fs (NM_001353229.2, NM_001353230.2, NM_001353231.2 and 1 more transcripts); short protein forms S128fs.
Identifiers: ClinVar variation 1456007 (VCV001456007.8), dbSNP rs2145010299, ClinGen allele CA2573153117.
Genomic context (GRCh38, chr17:17,226,190, plus strand): 5'-GCATGTGGGCTCCCACAGAGACAGGCTCTGTGGCCACAAGGCTCACCTCACAGCTCAGGC[T>TC]CCGGACACAGGCCTGGCGGACAATGCTGAAGAGCTGGGGGTGGCTGGGGTGCTGGTGGCT-3'

ClinVar aggregate classification (germline): Pathogenic. Review status: criteria provided, multiple submitters, no conflicts (2 of 4 stars). 2 submissions from 2 submitters: Pathogenic (2). Last evaluated 2021-11-17.

Conditions:
Birt-Hogg-Dube syndrome. Also called: Birt Hogg Dubé syndrome. Identifiers: Orphanet 122, MedGen C0346010, MONDO:0800444.
Hereditary cancer-predisposing syndrome. Also called: Hereditary Cancer Syndrome; Hereditary neoplastic syndrome; Tumor predisposition; Neoplastic Syndromes, Hereditary. Identifiers: Orphanet 140162, MedGen C0027672, MeSH D009386, MONDO:0015356.

Submissions (2):

Labcorp Genetics (formerly Invitae), Labcorp
Classification: Pathogenic for Birt-Hogg-Dube syndrome. Last evaluated: 2021-11-17. Review status: criteria provided, single submitter. Criteria: Invitae Variant Classification Sherloc (09022015). Collection method: clinical testing. Allele origin: germline.
Comment: This variant has not been reported in the literature in individuals affected with FLCN-related conditions. For these reasons, this variant has been classified as Pathogenic. This variant is not present in population databases (gnomAD no frequency). This sequence change creates a premature translational stop signal (p.Ser128Glufs*5) in the FLCN gene. It is expected to result in an absent or disrupted protein product. Loss-of-function variants in FLCN are known to be pathogenic (PMID: 15852235).

Ambry Genetics
Classification: Pathogenic for Hereditary cancer-predisposing syndrome. Last evaluated: 2021-08-26. Review status: criteria provided, single submitter. Criteria: Ambry Variant Classification Scheme 2023. Collection method: clinical testing. Allele origin: germline.
Comment: The c.381dupG pathogenic mutation, located in coding exon 2 of the FLCN gene, results from a duplication of G at nucleotide position 381, causing a translational frameshift with a predicted alternate stop codon (p.S128Efs*5). This variant is considered to be rare based on population cohorts in the Genome Aggregation Database (gnomAD). This alteration is expected to result in loss of function by premature protein truncation or nonsense-mediated mRNA decay. As such, this alteration is interpreted as a disease-causing mutation.

Literature cited by the submitters: PubMed 15852235 (cited by Labcorp Genetics (formerly Invitae), Labcorp).